The following is an entry in ClinVar:

NM_001378454.1(ALMS1):c.8629C>T (p.Pro2877Ser)

Gene: ALMS1 (ALMS1 centrosome and basal body associated protein; plus strand). Cytogenetic location: 2p13.1.
Variant type: single nucleotide variant.
Coding change: c.8629C>T on transcript NM_001378454.1 (MANE Select); coding-DNA position 8629, C replaced by T.
Protein change: p.Pro2877Ser; replaces proline 2877 with serine.
Molecular consequence: missense variant.
Genome position (GRCh38, 1-based): chr2:73,490,588, C>T. VCF-style: chr2-73490588-C-T. GRCh37 (hg19) VCF-style: chr2-73717715-C-T.
Other names: c.8632C>T, p.Pro2878Ser (NM_015120.4); short protein forms P2878S, P2877S.
Identifiers: ClinVar variation 1363235 (VCV001363235.6), dbSNP rs2103892547, ClinGen allele CA347269797.

ClinVar aggregate classification (germline): Uncertain significance (1 of 4 stars; one submission).

Conditions:
Alstrom syndrome (ALMS). Identifiers: Orphanet 64, MedGen C0268425, MONDO:0008763, OMIM 203800.

Submission:

Labcorp Genetics (formerly Invitae), Labcorp
Classification: Uncertain significance for Alstrom syndrome. Last evaluated: 2022-08-09. Review status: criteria provided, single submitter. Criteria: Invitae Variant Classification Sherloc (09022015). Collection method: clinical testing. Allele origin: germline.
Comment: In summary, the available evidence is currently insufficient to determine the role of this variant in disease. Therefore, it has been classified as a Variant of Uncertain Significance. This sequence change replaces proline with serine at codon 2878 of the ALMS1 protein (p.Pro2878Ser). The proline residue is highly conserved and there is a moderate physicochemical difference between proline and serine. This variant is not present in population databases (gnomAD no frequency). This variant has not been reported in the literature in individuals affected with ALMS1-related conditions. ClinVar contains an entry for this variant (Variation ID: 1363235). Experimental studies and prediction algorithms are not available or were not evaluated, and the functional significance of this variant is currently unknown.